The following is an entry in ClinVar:

ClinVar aggregate classification (germline): Uncertain significance (1 of 4 stars; one submission).

Submission:

Labcorp Genetics (formerly Invitae), Labcorp
Classification: Uncertain significance. Last evaluated: 2022-06-23. Review status: criteria provided, single submitter. Criteria: Invitae Variant Classification Sherloc (09022015). Collection method: clinical testing. Allele origin: germline.
Comment: Algorithms developed to predict the effect of missense changes on protein structure and function (SIFT, PolyPhen-2, Align-GVGD) all suggest that this variant is likely to be tolerated. In summary, the available evidence is currently insufficient to determine the role of this variant in disease. Therefore, it has been classified as a Variant of Uncertain Significance. This variant has not been reported in the literature in individuals affected with RTN4IP1-related conditions. This variant is not present in population databases (gnomAD no frequency). This sequence change replaces serine, which is neutral and polar, with arginine, which is basic and polar, at codon 241 of the RTN4IP1 protein (p.Ser241Arg).

NM_032730.5(RTN4IP1):c.723T>A (p.Ser241Arg)

Gene: RTN4IP1 (reticulon 4 interacting protein 1; minus strand). Cytogenetic location: 6q21.
Variant type: single nucleotide variant.
Coding change: c.723T>A on transcript NM_032730.5 (MANE Select); coding-DNA position 723, T replaced by A.
Protein change: p.Ser241Arg; replaces serine 241 with arginine.
Molecular consequence: missense variant.
Genome position (GRCh38, 1-based): chr6:106,592,247, A>T on the plus strand (T>A on the coding strand, the complement: RTN4IP1 is on the minus strand). VCF-style: chr6-106592247-A-T. GRCh37 (hg19) VCF-style: chr6-107040122-A-T.
Other names: c.423T>A, p.Ser141Arg (NM_001318746.1); short protein forms S141R, S241R.
Identifiers: ClinVar variation 2009988 (VCV002009988.4), dbSNP rs2482332984, ClinGen allele CA365156601.
Genomic context (GRCh38, chr6:106,592,247, plus strand): 5'-TTCCACACTTCCAGATTTGTAATCAATTACATCGTCTGCACCAAGCTTCCTTACAAGTTC[A>T]CTGGCATCTTGGGAGCAAACTGCTGTCACATGAGCATCCCATGCTTTCATTACCTGCCCC-3'
Protein context (NP_116119.2, residues 231-251): HVTAVCSQDA[Ser241Arg]ELVRKLGADD